The following is an entry in ClinVar:

ClinVar aggregate classification (germline): Conflicting classifications of pathogenicity. Review status: criteria provided, conflicting classifications (1 of 4 stars). 11 submissions from 11 submitters: Uncertain significance (2); Benign (1); Likely benign (5). 3 of the submissions do not count toward it. Last evaluated 2026-02-02.

Conditions:
ALG13-related disorder. Also called: ALG13-related condition.
Developmental and epileptic encephalopathy, 36 (DEE36). Also called: ALG13-CDG; Congenital disorder of glycosylation, type Is; Epileptic encephalopathy, early infantile, 36. Identifiers: Orphanet 324422, MedGen C4317295, MONDO:0010472, OMIM 300884.
Inborn genetic diseases. Identifiers: MedGen C0950123, MeSH D030342.

Submissions (11):

Labcorp Genetics (formerly Invitae), Labcorp
Classification: Likely benign for Developmental and epileptic encephalopathy, 36. Last evaluated: 2026-02-02. Review status: criteria provided, single submitter. Criteria: Invitae Variant Classification Sherloc (09022015). Collection method: clinical testing. Allele origin: germline.

Laboratory of Genetics, Children's Clinical University Hospital Latvia
Classification: Likely benign. Last evaluated: 2025-02-16. Review status: criteria provided, single submitter. Criteria: ACMG Guidelines, 2015. Collection method: clinical testing. Allele origin: germline. Affected: yes.

Mayo Clinic Laboratories, Mayo Clinic
Classification: Benign. Last evaluated: 2023-07-07. Review status: criteria provided, single submitter. Criteria: ACMG Guidelines, 2015. Collection method: clinical testing. Allele origin: germline. Observed: 3 variant alleles.
Comment: BS1, BS2

CeGaT Center for Human Genetics Tuebingen
Classification: Likely benign. Last evaluated: 2023-02-01. Review status: criteria provided, single submitter. Criteria: CeGaT Center For Human Genetics Tuebingen Variant Classification Criteria Version 2. Collection method: clinical testing. Allele origin: germline. Affected: yes. Observed: 1 variant allele.
Comment: ALG13: BS2

GeneDx
Classification: Likely benign. Last evaluated: 2021-04-21. Review status: criteria provided, single submitter. Criteria: GeneDx Variant Classification Process June 2021. Collection method: clinical testing. Allele origin: germline. Affected: yes.

Ambry Genetics
Classification: Likely benign for Inborn genetic diseases. Last evaluated: 2021-04-07. Review status: criteria provided, single submitter. Criteria: Ambry Variant Classification Scheme 2023. Collection method: clinical testing. Allele origin: germline.

Genomic Research Center, Shahid Beheshti University of Medical Sciences
Classification: Uncertain significance for Epileptic encephalopathy, early infantile, 36. Last evaluated: 2019-01-01. Review status: criteria provided, single submitter. Criteria: ACMG Guidelines, 2015. Collection method: clinical testing. Allele origin: unknown. Affected: no. Observed: 1 variant allele.

Eurofins Ntd Llc (ga)
Classification: Uncertain significance. Last evaluated: 2017-03-13. Review status: criteria provided, single submitter. Criteria: EGL Classification Definitions 2015. Collection method: clinical testing. Allele origin: germline. Observed: 2 variant alleles, 1 heterozygote, 1 hemizygote.

PreventionGenetics, part of Exact Sciences
Classification: Likely benign for ALG13-related condition. Last evaluated: 2019-02-21. Review status: no assertion criteria provided. Collection method: clinical testing. Allele origin: germline. Not counted in ClinVar's aggregate classification.
Comment: This variant is classified as likely benign based on ACMG/AMP sequence variant interpretation guidelines (Richards et al. 2015 PMID: 25741868, with internal and published modifications).

Clinical Genetics DNA and cytogenetics Diagnostics Lab, Erasmus MC, Erasmus Medical Center
Classification: Likely benign. Review status: no assertion criteria provided. Collection method: clinical testing. Allele origin: germline. Affected: yes. Study: VKGL Data-share Consensus. Not counted in ClinVar's aggregate classification.

Genome Diagnostics Laboratory, University Medical Center Utrecht
Classification: Likely benign. Review status: no assertion criteria provided. Collection method: clinical testing. Allele origin: germline. Affected: yes. Study: VKGL Data-share Consensus. Not counted in ClinVar's aggregate classification.

NM_001099922.3(ALG13):c.2754ACC[14] (p.Pro945del)

Gene: ALG13 (ALG13 UDP-N-acetylglucosaminyltransferase subunit; plus strand). Cytogenetic location: Xq23.
Variant type: Microsatellite.
Coding change: c.2754ACC[14] on transcript NM_001099922.3 (MANE Select); 14 copies in a row of the 3-base unit ACC starting at c.2754; the reference has 15 copies in a row; one copy, 3 bases deleted; also written c.2796_2798del.
Protein change: p.Pro945del; deletes proline 945.
Molecular consequence: inframe deletion. On other transcripts: intron variant (5).
Genome position (GRCh38, 1-based): chrX:111,744,768-111,744,770, ACC deleted; deleting any 3 consecutive bases within chrX:111,744,726-111,744,770 gives the same sequence; the position shown is the placement nearest the transcript's 3' end. VCF-style (leftmost placement, unchanged base first): chrX-111744725-TACC-T. GRCh37 (hg19) VCF-style: chrX-110987953-TACC-T.
Other names: p.Pro945del; c.2383+7847ACC[14] (NM_001257230.2, NM_001257237.2, NM_001257234.2); c.2520ACC[14], p.Pro867del (NM_001257231.2); c.2209+7847ACC[14] (NM_001324293.1); c.2695+7847ACC[14] (NM_001324292.2); c.2796_2798del (NM_001099922.3); short protein forms P945del, P867del.
Identifiers: ClinVar variation 496941 (VCV000496941.50), dbSNP rs750710267, ClinGen allele CA10493966.
Genomic context (GRCh38, chrX:111,744,725, plus strand): 5'-TAGTGATTGCCTCACCATCCTATCCATGCCATTCTGCTATTCCTCATGCTGGTGCCTCTC[TACC>T]ACCACCACCACCACCACCACCACCACCACCACCACCACCACCTCCTCCTCCTCCTCCTCC-3'